The following is an entry in ClinVar:

ClinVar aggregate classification (germline): Conflicting classifications of pathogenicity. Review status: criteria provided, conflicting classifications (1 of 4 stars). 2 submissions from 2 submitters: Uncertain significance (1); Likely benign (1). Last evaluated 2025-06-07.

Conditions:
Inborn genetic diseases. Identifiers: MedGen C0950123, MeSH D030342.

Allele frequency attached by ClinVar (database versions not stated): gnomAD exomes below 0.00001 and 0.00002; TOPMed 0.00001.
gnomAD v4.1: 5 of 1,550,382 alleles (0.00032%); highest among the groups gnomAD compares: East Asian, 0.0024%; no homozygotes.

Submissions (2):

Ambry Genetics
Classification: Likely benign for Inborn genetic diseases. Last evaluated: 2025-06-07. Review status: criteria provided, single submitter. Criteria: Ambry Variant Classification Scheme 2023. Collection method: clinical testing. Allele origin: germline.

Labcorp Genetics (formerly Invitae), Labcorp
Classification: Uncertain significance. Last evaluated: 2023-07-10. Review status: criteria provided, single submitter. Criteria: Invitae Variant Classification Sherloc (09022015). Collection method: clinical testing. Allele origin: germline.
Comment: This variant is present in population databases (no rsID available, gnomAD 0.02%). This variant has not been reported in the literature in individuals affected with TRAF3IP1-related conditions. ClinVar contains an entry for this variant (Variation ID: 1025459). Advanced modeling of protein sequence and biophysical properties (such as structural, functional, and spatial information, amino acid conservation, physicochemical variation, residue mobility, and thermodynamic stability) performed at Invitae indicates that this missense variant is not expected to disrupt TRAF3IP1 protein function. In summary, the available evidence is currently insufficient to determine the role of this variant in disease. Therefore, it has been classified as a Variant of Uncertain Significance. This sequence change replaces arginine, which is basic and polar, with glutamine, which is neutral and polar, at codon 230 of the TRAF3IP1 protein (p.Arg230Gln).

NM_015650.4(TRAF3IP1):c.689G>A (p.Arg230Gln)

Gene: TRAF3IP1 (TRAF3 interacting protein 1; plus strand). Cytogenetic location: 2q37.3.
Variant type: single nucleotide variant.
Coding change: c.689G>A on transcript NM_015650.4 (MANE Select); coding-DNA position 689, G replaced by A.
Protein change: p.Arg230Gln; replaces arginine 230 with glutamine.
Molecular consequence: missense variant.
Genome position (GRCh38, 1-based): chr2:238,329,116, G>A. VCF-style: chr2-238329116-G-A. GRCh37 (hg19) VCF-style: chr2-239237757-G-A.
Other names: c.689G>A (NM_015650.3); c.689G>A, p.Arg230Gln (NM_001139490.1); short protein forms R230Q.
Identifiers: ClinVar variation 1025459 (VCV001025459.9), dbSNP rs1366068006, ClinGen allele CA351245251.